The following is an entry in ClinVar:

ClinVar aggregate classification (germline): Likely benign. Review status: criteria provided, single submitter (1 of 4 stars). 2 submissions from 2 submitters: Likely benign (1). 1 of the submissions does not count toward it. Last evaluated 2025-08-11.

Conditions:
ZBTB20-related disorder. Also called: ZBTB20-related condition.

Allele frequency attached by ClinVar (database versions not stated): ExAC 0.00003; gnomAD 0.00003; TOPMed 0.00005; gnomAD exomes 0.00007.
gnomAD v4.1: 107 of 1,613,686 alleles (0.0066%); highest among the groups gnomAD compares: Non-Finnish European, 0.0083%; no homozygotes.

Submissions (2):

Labcorp Genetics (formerly Invitae), Labcorp
Classification: Likely benign. Last evaluated: 2025-08-11. Review status: criteria provided, single submitter. Criteria: Invitae Variant Classification Sherloc (09022015). Collection method: clinical testing. Allele origin: germline.

PreventionGenetics, part of Exact Sciences
Classification: Likely benign for ZBTB20-related condition. Last evaluated: 2023-11-01. Review status: no assertion criteria provided. Collection method: clinical testing. Allele origin: germline. Not counted in ClinVar's aggregate classification.
Comment: This variant is classified as likely benign based on ACMG/AMP sequence variant interpretation guidelines (Richards et al. 2015 PMID: 25741868, with internal and published modifications).

NM_001348800.3(ZBTB20):c.315C>T (p.Asp105=)

Gene: ZBTB20 (zinc finger and BTB domain containing 20; minus strand). Cytogenetic location: 3q13.31.
Variant type: single nucleotide variant.
Coding change: c.315C>T on transcript NM_001348800.3 (MANE Select); coding-DNA position 315, C replaced by T.
Protein change: p.Asp105=; no amino-acid change (aspartic acid 105 retained).
Molecular consequence: synonymous variant.
Genome position (GRCh38, 1-based): chr3:114,351,763, G>A on the plus strand (C>T on the coding strand, the complement: ZBTB20 is on the minus strand). VCF-style: chr3-114351763-G-A. GRCh37 (hg19) VCF-style: chr3-114070610-G-A.
Other names: c.315C>T, p.Asp105= (NM_001164342.2, NM_001348803.3, NM_001393393.1 and 1 more transcripts); c.96C>T, p.Asp32= (NM_001164343.2, NM_001164344.4, NM_001164345.4 and 9 more transcripts).
Identifiers: ClinVar variation 2201251 (VCV002201251.6), dbSNP rs754960078, ClinGen allele CA2551446.